The following is an entry in ClinVar:

ClinVar aggregate classification (germline): Pathogenic (1 of 4 stars; one submission).

Submission:

Labcorp Genetics (formerly Invitae), Labcorp
Classification: Pathogenic. Last evaluated: 2021-05-13. Review status: criteria provided, single submitter. Criteria: Invitae Variant Classification Sherloc (09022015). Collection method: clinical testing. Allele origin: germline.
Comment: This variant has not been reported in the literature in individuals with COL7A1-related conditions. This variant is not present in population databases (ExAC no frequency). This sequence change creates a premature translational stop signal (p.Val2758Glyfs*32) in the COL7A1 gene. It is expected to result in an absent or disrupted protein product. Loss-of-function variants in COL7A1 are known to be pathogenic (PMID: 16971478). For these reasons, this variant has been classified as Pathogenic.

Literature cited by the submitters: PubMed 16971478.

NM_000094.4(COL7A1):c.8272dup (p.Val2758fs)

Gene: COL7A1 (collagen type VII alpha 1 chain; minus strand). Cytogenetic location: 3p21.31.
Variant type: Duplication.
Coding change: c.8272dup on transcript NM_000094.4 (MANE Select); coding-DNA position 8272, one base duplicated (G; older notation c.8272dupG).
Protein change: p.Val2758fs; shifts the reading frame from valine 2758.
Molecular consequence: frameshift variant.
Genome position (GRCh38, 1-based): chr3:48,566,692, C duplicated on the plus strand (G on the coding strand, the reverse complement: COL7A1 is on the minus strand); the first of 4 consecutive C bases (chr3:48,566,692-48,566,695); duplicating any one gives the same sequence. VCF-style (leftmost placement, unchanged base first): chr3-48566691-A-AC. GRCh37 (hg19) VCF-style: chr3-48604124-A-AC.
Other names: short protein forms V2758fs.
Identifiers: ClinVar variation 1375044 (VCV001375044.6), dbSNP rs1553849789, ClinGen allele CA2573137103.